The following is an entry in ClinVar:

ClinVar aggregate classification (germline): Uncertain significance (1 of 4 stars; one submission).

Conditions:
Ullrich congenital muscular dystrophy 2 (UCMD2). Identifiers: Orphanet 75840, MedGen C4225314, MONDO:0014654, OMIM 616470.
Bethlem myopathy 2 (BTHLM2). Identifiers: Orphanet 536516, Orphanet 610, MedGen C4225313, MONDO:0034022, OMIM 616471.

gnomAD v4.1: 1 of 1,612,250 alleles (0.000062%); highest among the groups gnomAD compares: Admixed American, 0.0017%; no homozygotes.

Submission:

Labcorp Genetics (formerly Invitae), Labcorp
Classification: Uncertain significance for Bethlem myopathy 2; Ullrich congenital muscular dystrophy 2. Last evaluated: 2024-03-18. Review status: criteria provided, single submitter. Criteria: Invitae Variant Classification Sherloc (09022015). Collection method: clinical testing. Allele origin: germline.
Comment: This sequence change falls in intron 48 of the COL12A1 gene. It does not directly change the encoded amino acid sequence of the COL12A1 protein. This variant is not present in population databases (gnomAD no frequency). This variant has not been reported in the literature in individuals affected with COL12A1-related conditions. Algorithms developed to predict the effect of sequence changes on RNA splicing suggest that this variant may disrupt the consensus splice site. In summary, the available evidence is currently insufficient to determine the role of this variant in disease. Therefore, it has been classified as a Variant of Uncertain Significance.

NM_004370.6(COL12A1):c.7559-7T>G

Gene: COL12A1 (collagen type XII alpha 1 chain; minus strand). Cytogenetic location: 6q13.
Variant type: single nucleotide variant.
Coding change: c.7559-7T>G on transcript NM_004370.6 (MANE Select); 7 bases into the intron before coding-DNA position 7559, T replaced by G.
Molecular consequence: intron variant.
Genome position (GRCh38, 1-based): chr6:75,115,929, A>C on the plus strand (T>G on the coding strand, the complement: COL12A1 is on the minus strand). VCF-style: chr6-75115929-A-C. GRCh37 (hg19) VCF-style: chr6-75825645-A-C.
Other names: c.4067-7T>G (NM_001424116.1, NM_080645.3); c.7286-7T>G (NM_001424115.1); c.7538-7T>G (NM_001424114.1); c.7559-7T>G (NM_001424113.1).
Identifiers: ClinVar variation 3755237 (VCV003755237.2).